The following is an entry in ClinVar:

NM_000718.4(CACNA1B):c.4970G>A (p.Trp1657Ter)

Gene: CACNA1B (calcium voltage-gated channel subunit alpha1 B; plus strand). Cytogenetic location: 9q34.3.
Variant type: single nucleotide variant.
Coding change: c.4970G>A on transcript NM_000718.4 (MANE Select); coding-DNA position 4970, G replaced by A.
Protein change: p.Trp1657Ter; replaces tryptophan 1657 with a stop codon.
Molecular consequence: nonsense.
Genome position (GRCh38, 1-based): chr9:138,078,134, G>A. VCF-style: chr9-138078134-G-A. GRCh37 (hg19) VCF-style: chr9-140972586-G-A.
Other names: c.4970G>A, p.Trp1657Ter (NM_001243812.2); short protein forms W1657*.
Identifiers: ClinVar variation 3728775 (VCV003728775.2).

ClinVar aggregate classification (germline): Pathogenic (1 of 4 stars; one submission).

Submission:

Labcorp Genetics (formerly Invitae), Labcorp
Classification: Pathogenic. Last evaluated: 2025-01-11. Review status: criteria provided, single submitter. Criteria: Invitae Variant Classification Sherloc (09022015). Collection method: clinical testing. Allele origin: germline.
Comment: This sequence change creates a premature translational stop signal (p.Trp1657*) in the CACNA1B gene. It is expected to result in an absent or disrupted protein product. Loss-of-function variants in CACNA1B are known to be pathogenic (PMID: 30982612). This variant is not present in population databases (gnomAD no frequency). This variant has not been reported in the literature in individuals affected with CACNA1B-related conditions. For these reasons, this variant has been classified as Pathogenic.

Literature cited by the submitters: PubMed 30982612.